The following is an entry in ClinVar:

NM_003114.5(SPAG1):c.713C>T (p.Ala238Val)

Gene: SPAG1 (sperm associated antigen 1; plus strand). Cytogenetic location: 8q22.2.
Variant type: single nucleotide variant.
Coding change: c.713C>T on transcript NM_003114.5 (MANE Select); coding-DNA position 713, C replaced by T.
Protein change: p.Ala238Val; replaces alanine 238 with valine.
Molecular consequence: missense variant.
Genome position (GRCh38, 1-based): chr8:100,187,131, C>T. VCF-style: chr8-100187131-C-T. GRCh37 (hg19) VCF-style: chr8-101199359-C-T.
Other names: c.713C>T, p.Ala238Val (NM_001374321.1, NM_172218.3); short protein forms A238V.
Identifiers: ClinVar variation 410996 (VCV000410996.7), dbSNP rs755306741, ClinGen allele CA4827344.

ClinVar aggregate classification (germline): Conflicting classifications of pathogenicity. Review status: criteria provided, conflicting classifications (1 of 4 stars). 2 submissions from 2 submitters: Uncertain significance (1); Likely benign (1). Last evaluated 2023-11-03.

Conditions:
Primary ciliary dyskinesia 28. Also called: CILIARY DYSKINESIA, PRIMARY, 28, WITH OR WITHOUT SITUS INVERSUS. Identifiers: Orphanet 244, MedGen C3809706, MONDO:0014216, OMIM 615505.
Primary ciliary dyskinesia. Also called: Ciliary dyskinesia. Identifiers: Orphanet 244, MedGen C0008780, MONDO:0016575, HP:0012265.

Allele frequency attached by ClinVar (database versions not stated): ExAC 0.00001; gnomAD exomes 0.00006 and 0.00007; TOPMed 0.00020; gnomAD 0.00021 and 0.00026.

Submissions (2):

Ambry Genetics
Classification: Likely benign for Primary ciliary dyskinesia. Last evaluated: 2023-11-03. Review status: criteria provided, single submitter. Criteria: Ambry Variant Classification Scheme 2023. Collection method: clinical testing. Allele origin: germline.

Labcorp Genetics (formerly Invitae), Labcorp
Classification: Uncertain significance for Primary ciliary dyskinesia 28. Last evaluated: 2021-08-30. Review status: criteria provided, single submitter. Criteria: Invitae Variant Classification Sherloc (09022015). Collection method: clinical testing. Allele origin: germline.
Comment: This sequence change replaces alanine with valine at codon 238 of the SPAG1 protein (p.Ala238Val). The alanine residue is weakly conserved and there is a small physicochemical difference between alanine and valine. This variant is present in population databases (rs755306741, ExAC 0.009%). This variant has not been reported in the literature in individuals affected with SPAG1-related conditions. ClinVar contains an entry for this variant (Variation ID: 410996). Algorithms developed to predict the effect of missense changes on protein structure and function output the following: SIFT: "Tolerated"; PolyPhen-2: "Benign"; Align-GVGD: "Class C0". The valine amino acid residue is found in multiple mammalian species, which suggests that this missense change does not adversely affect protein function. In summary, the available evidence is currently insufficient to determine the role of this variant in disease. Therefore, it has been classified as a Variant of Uncertain Significance.